The following is an entry in ClinVar:

NM_006206.6(PDGFRA):c.3255_*8dup (p.Val1084_Ter1090=)

Gene: PDGFRA (platelet derived growth factor receptor alpha; plus strand). Cytogenetic location: 4q12.
Variant type: Duplication.
Coding change: c.3255_*8dup on transcript NM_006206.6 (MANE Select); coding-DNA position 3255 through 8 bases downstream of the stop codon, 24 bases duplicated (AGACAGCTTCCTGTAACTGGCGGA).
Protein change: p.Val1084_Ter1090=.
Molecular consequence: no sequence alteration.
Genome position (GRCh38, 1-based): chr4:54,295,257-54,295,280, AGACAGCTTCCTGTAACTGGCGGA duplicated; duplicating any 24 consecutive bases within chr4:54,295,254-54,295,280 gives the same sequence; the c. name uses the placement nearest the transcript's 3' end. VCF-style (leftmost placement, unchanged base first): chr4-54295253-T-TGGAAGACAGCTTCCTGTAACTGGC. GRCh37 (hg19) VCF-style: chr4-55161420-T-TGGAAGACAGCTTCCTGTAACTGGC.
Other names: c.3330_*8dup, p.Val1109_Ter1115= (NM_001347828.2); c.3255_*8dup, p.Val1084_Ter1090= (NM_001347829.2); c.3294_*8dup, p.Val1097_Ter1103= (NM_001347830.2); c.3255_*8dup24 (NM_006206.5).
Identifiers: ClinVar variation 701600 (VCV000701600.15), dbSNP rs749741715, ClinGen allele CA2923075.

ClinVar aggregate classification (germline): Benign/Likely benign. Review status: criteria provided, multiple submitters, no conflicts (2 of 4 stars). 5 submissions from 5 submitters: Benign (2); Likely benign (3). Last evaluated 2026-06-18.

Conditions:
Polyps, multiple and recurrent inflammatory fibroid, gastrointestinal. Identifiers: MedGen C5193005, MONDO:0008285, OMIM 175510.
Gastrointestinal stromal tumor. Also called: Gastrointestinal stroma tumor; Gastrointestinal stromal tumor, somatic. Identifiers: Orphanet 44890, MedGen C0238198, MeSH D046152, MONDO:0011719, OMIM 606764, HP:0100723.
PDGFRA-related disorder. Also called: PDGFRA-related condition.

Submissions (5):

Myriad Genetics, Inc.
Classification: Benign for Polyps, multiple and recurrent inflammatory fibroid, gastrointestinal. Last evaluated: 2026-06-18. Review status: criteria provided, single submitter. Criteria: Myriad Autosomal Dominant, Autosomal Recessive and X-Linked Classification Criteria (2023). Collection method: clinical testing. Allele origin: unknown.
Comment: This variant is considered benign. This variant occurs in the non-coding 3' untranslated region of the gene, and is not expected to impact protein function.

PreventionGenetics, part of Exact Sciences
Classification: Likely benign for PDGFRA-related condition. Last evaluated: 2025-12-15. Review status: criteria provided, single submitter. Criteria: ACMG Guidelines, 2015. Collection method: clinical testing. Allele origin: germline.
Comment: This variant is classified as likely benign based on ACMG/AMP sequence variant interpretation guidelines (Richards et al. 2015 PMID: 25741868, with internal and published modifications).

Labcorp Genetics (formerly Invitae), Labcorp
Classification: Likely benign for Gastrointestinal stromal tumor. Last evaluated: 2025-09-15. Review status: criteria provided, single submitter. Criteria: Invitae Variant Classification Sherloc (09022015). Collection method: clinical testing. Allele origin: germline.

Laboratory of Genetics, Children's Clinical University Hospital Latvia
Classification: Benign. Last evaluated: 2025-02-16. Review status: criteria provided, single submitter. Criteria: ACMG Guidelines, 2015. Collection method: clinical testing. Allele origin: germline. Affected: yes.

Blueprint Genetics
Classification: Likely benign. Last evaluated: 2023-06-23. Review status: criteria provided, single submitter. Criteria: ACMG Guidelines, 2015. Collection method: clinical testing. Allele origin: germline.